The following is an entry in ClinVar:

NM_003922.4(HERC1):c.4631A>G (p.Lys1544Arg)

Gene: HERC1 (HECT and RLD domain containing E3 ubiquitin protein ligase family member 1; minus strand). Cytogenetic location: 15q22.31.
Variant type: single nucleotide variant.
Coding change: c.4631A>G on transcript NM_003922.4 (MANE Select); coding-DNA position 4631, A replaced by G.
Protein change: p.Lys1544Arg; replaces lysine 1544 with arginine.
Molecular consequence: missense variant.
Genome position (GRCh38, 1-based): chr15:63,706,785, T>C on the plus strand (A>G on the coding strand, the complement: HERC1 is on the minus strand). VCF-style: chr15-63706785-T-C. GRCh37 (hg19) VCF-style: chr15-63998984-T-C.
Other names: short protein forms K1544R.
Identifiers: ClinVar variation 1032167 (VCV001032167.11), dbSNP rs185430973, ClinGen allele CA7605742.

ClinVar aggregate classification (germline): Conflicting classifications of pathogenicity. Review status: criteria provided, conflicting classifications (1 of 4 stars). 3 submissions from 3 submitters: Uncertain significance (1); Likely benign (1). 1 of the submissions does not count toward it. Last evaluated 2024-10-27.

Conditions:
HERC1-related disorder. Also called: HERC1-related condition.
Macrocephaly, dysmorphic facies, and psychomotor retardation (MDFPMR). Identifiers: Orphanet 457359, MedGen C4310766, MONDO:0014863, OMIM 617011.

Allele frequency attached by ClinVar (database versions not stated): gnomAD exomes 0.00007 and 0.00020; ExAC 0.00045; ESP Exome Variant Server 0.00061; 1000 Genomes Project 0.00080; gnomAD 0.00093 and 0.00097; TOPMed 0.00093; 1000 Genomes Project 30x 0.00109.
gnomAD v4.1: 248 of 1,538,512 alleles (0.016%); highest among the groups gnomAD compares: African/African-American, 0.32%; no homozygotes.

Submissions (3):

Labcorp Genetics (formerly Invitae), Labcorp
Classification: Likely benign. Last evaluated: 2024-10-27. Review status: criteria provided, single submitter. Criteria: Invitae Variant Classification Sherloc (09022015). Collection method: clinical testing. Allele origin: germline.

Baylor Genetics
Classification: Uncertain significance for Macrocephaly, dysmorphic facies, and psychomotor retardation. Last evaluated: 2018-11-18. Review status: criteria provided, single submitter. Criteria: ACMG Guidelines, 2015. Collection method: clinical testing. Allele origin: maternal. Affected: yes.
Comment: This variant was determined to be of uncertain significance according to ACMG Guidelines, 2015 [PMID:25741868].

PreventionGenetics, part of Exact Sciences
Classification: Likely benign for HERC1-related condition. Last evaluated: 2023-04-19. Review status: no assertion criteria provided. Collection method: clinical testing. Allele origin: germline. Not counted in ClinVar's aggregate classification.
Comment: This variant is classified as likely benign based on ACMG/AMP sequence variant interpretation guidelines (Richards et al. 2015 PMID: 25741868, with internal and published modifications).